The following is an entry in ClinVar:

ClinVar aggregate classification (germline): Pathogenic (1 of 4 stars; one submission).

Submission:

Labcorp Genetics (formerly Invitae), Labcorp
Classification: Pathogenic. Last evaluated: 2025-10-06. Review status: criteria provided, single submitter. Criteria: Invitae Variant Classification Sherloc (09022015). Collection method: clinical testing. Allele origin: germline.
Comment: This sequence change creates a premature translational stop signal (p.Val2219Thrfs*18) in the ASPM gene. It is expected to result in an absent or disrupted protein product. Loss-of-function variants in ASPM are known to be pathogenic (PMID: 19028728, 23611254). This variant is not present in population databases (gnomAD no frequency). This variant has not been reported in the literature in individuals affected with ASPM-related conditions. For these reasons, this variant has been classified as Pathogenic.

Literature cited by the submitters: PubMed 19028728; PubMed 23611254.

NM_018136.5(ASPM):c.6654_6655del (p.Val2219fs)

Gene: ASPM (assembly factor for spindle microtubules; minus strand). Cytogenetic location: 1q31.3.
Variant type: Deletion.
Coding change: c.6654_6655del on transcript NM_018136.5 (MANE Select); coding-DNA positions 6654 to 6655, 2 bases deleted (AG; older notation c.6654_6655delAG).
Protein change: p.Val2219fs; shifts the reading frame from valine 2219.
Molecular consequence: frameshift variant. On other transcripts: intron variant (1).
Genome position (GRCh38, 1-based): chr1:197,102,596-197,102,597, CT deleted on the plus strand (AG on the coding strand, the reverse complement: ASPM is on the minus strand). VCF-style (leftmost placement, unchanged base first): chr1-197102595-ACT-A. GRCh37 (hg19) VCF-style: chr1-197071725-ACT-A.
Other names: c.4066-6433_4066-6432del (NM_001206846.2); short protein forms V2219fs.
Identifiers: ClinVar variation 4723641 (VCV004723641.1).